The following is an entry in ClinVar:

NM_015662.3(IFT172):c.376A>G (p.Ile126Val)

Gene: IFT172 (intraflagellar transport 172; minus strand). Cytogenetic location: 2p23.3.
Variant type: single nucleotide variant.
Coding change: c.376A>G on transcript NM_015662.3 (MANE Select); coding-DNA position 376, A replaced by G.
Protein change: p.Ile126Val; replaces isoleucine 126 with valine.
Molecular consequence: missense variant.
Genome position (GRCh38, 1-based): chr2:27,483,898, T>C on the plus strand (A>G on the coding strand, the complement: IFT172 is on the minus strand). VCF-style: chr2-27483898-T-C. GRCh37 (hg19) VCF-style: chr2-27706765-T-C.
Other names: c.376A>G, p.Ile126Val (NM_001410739.1); c.376A>G (NM_015662.2); short protein forms I126V.
Identifiers: ClinVar variation 4954378 (VCV004954378.2).

ClinVar aggregate classification (germline): Uncertain significance. Review status: criteria provided, multiple submitters, no conflicts (2 of 4 stars). 2 submissions from 2 submitters: Uncertain significance (2). Last evaluated 2026-06-22.

Conditions:
IFT172-related disorder. Also called: IFT172-related condition; IFT172-related disorders.

gnomAD v4.1: 25 of 1,613,740 alleles (0.0015%); highest among the groups gnomAD compares: Non-Finnish European, 0.002%; no homozygotes.

Submissions (2):

PreventionGenetics, part of Exact Sciences
Classification: Uncertain significance for IFT172-related condition. Last evaluated: 2026-06-22. Review status: criteria provided, single submitter. Criteria: ACMG Guidelines, 2015. Collection method: clinical testing. Allele origin: germline.
Comment: The IFT172 c.376A>G variant is predicted to result in the amino acid substitution p.Ile126Val. To our knowledge, this variant has not been reported in the literature. This variant is reported in 0.00088% of alleles in individuals of European (Non-Finnish) descent in gnomAD. At this time, the clinical significance of this variant is uncertain due to the absence of conclusive functional and genetic evidence.

Blueprint Genetics
Classification: Uncertain significance. Last evaluated: 2019-05-23. Review status: criteria provided, single submitter. Criteria: ACMG Guidelines, 2015. Collection method: clinical testing. Allele origin: germline.